The following is an entry in ClinVar:

ClinVar aggregate classification (germline): Uncertain significance (1 of 4 stars; one submission).

Submission:

Dasa
Classification: Uncertain significance. Last evaluated: 2025-10-08. Review status: criteria provided, single submitter. Criteria: DASA Assertion Criteria. Collection method: clinical testing. Allele origin: germline.
Comment: NM_001017995.3(SH3PXD2B):c.2189del (p.Pro730Argfs*121) is a frameshift variant in SH3PXD2B predicted to alter the reading frame and introduce a premature termination codon and is predicted to result in an absent or altered protein product. This variant is rare in population databases. The currently available literature and clinical evidence are not sufficient to establish a definitive association between this variant and the reported condition. Therefore, this variant is classified as a variant of uncertain significance.

NM_001017995.3(SH3PXD2B):c.2189del (p.Pro730fs)

Gene: SH3PXD2B (SH3 and PX domains 2B; minus strand). Cytogenetic location: 5q35.1.
Variant type: Deletion.
Coding change: c.2189del on transcript NM_001017995.3 (MANE Select); coding-DNA position 2189, one base deleted (C; older notation c.2189delC).
Protein change: p.Pro730fs; shifts the reading frame from proline 730.
Molecular consequence: frameshift variant. On other transcripts: intron variant (1).
Genome position (GRCh38, 1-based): chr5:172,338,916, G deleted on the plus strand (C on the coding strand, the reverse complement: SH3PXD2B is on the minus strand); the first of 2 consecutive G bases (chr5:172,338,916-172,338,917); deleting either gives the same sequence. VCF-style (leftmost placement, unchanged base first): chr5-172338915-CG-C. GRCh37 (hg19) VCF-style: chr5-171765919-CG-C.
Other names: c.1188+7220del (NM_001308175.2); short protein forms P730fs.
Identifiers: ClinVar variation 4856913 (VCV004856913.2).